The following is an entry in ClinVar:

ClinVar aggregate classification (germline): Likely pathogenic. Review status: criteria provided, multiple submitters, no conflicts (2 of 4 stars). 2 submissions from 2 submitters: Likely pathogenic (2). Last evaluated 2025-04-22.

Conditions:
Familial thoracic aortic aneurysm and aortic dissection (TAAD). Also called: Thoracic aortic aneurysms and dissections. Identifiers: Orphanet 91387, MedGen C4707243, MONDO:0019625.
Ehlers-Danlos syndrome, type 4 (EDSVASC). Also called: Ehlers-Danlos syndrome vascular type; Ehlers Danlos syndrome, ecchymotic type; Ehlers Danlos syndrome, arterial type; Ehlers Danlos syndrome, Sack-Barabas type; Ehlers-Danlos Syndrome Type IV. Identifiers: Orphanet 286, MedGen C0268338, MONDO:0017314, OMIM 130050.

Submissions (2):

Ambry Genetics
Classification: Likely pathogenic for Familial thoracic aortic aneurysm and aortic dissection. Last evaluated: 2025-04-22. Review status: criteria provided, single submitter. Criteria: Ambry Variant Classification Scheme 2023. Collection method: clinical testing. Allele origin: germline.
Comment: The c.4012-2A>G intronic variant results from an A to G substitution two nucleotides before coding exon 50 in the COL3A1 gene. This variant is considered to be rare based on population cohorts in the Genome Aggregation Database (gnomAD). This nucleotide position is highly conserved in available vertebrate species. In silico splice site analysis predicts that this alteration will weaken the native splice acceptor site and will result in the creation or strengthening of a novel splice acceptor site. Alterations that disrupt the canonical splice site are expected to cause aberrant splicing, resulting in an abnormal protein or a transcript that is subject to nonsense-mediated mRNA decay. As such, this alteration is classified as likely pathogenic.

Labcorp Genetics (formerly Invitae), Labcorp
Classification: Likely pathogenic for Ehlers-Danlos syndrome, type 4. Last evaluated: 2018-12-20. Review status: criteria provided, single submitter. Criteria: Invitae Variant Classification Sherloc (09022015). Collection method: clinical testing. Allele origin: germline.
Comment: This variant is not present in population databases (ExAC no frequency). This sequence change affects an acceptor splice site in intron 49 of the COL3A1 gene. It is expected to disrupt RNA splicing and likely results in an absent or disrupted protein product. This variant has not been reported in the literature in individuals with COL3A1-related disease. In summary, the currently available evidence indicates that the variant is pathogenic, but additional data are needed to prove that conclusively. Therefore, this variant has been classified as Likely Pathogenic. Donor and acceptor splice site variants typically lead to a loss of protein function (PMID: 16199547), and loss-of-function variants in COL3A1 are known to be pathogenic (PMID: 24922459). Algorithms developed to predict the effect of sequence changes on RNA splicing suggest that this variant may disrupt the consensus splice site, but this prediction has not been confirmed by published transcriptional studies.

Literature cited by the submitters: PubMed 16199547 (cited by Labcorp Genetics (formerly Invitae), Labcorp); PubMed 24922459 (cited by Labcorp Genetics (formerly Invitae), Labcorp).

NM_000090.4(COL3A1):c.4012-2A>G

Gene: COL3A1 (collagen type III alpha 1 chain; plus strand). Cytogenetic location: 2q32.2.
Variant type: single nucleotide variant.
Coding change: c.4012-2A>G on transcript NM_000090.4 (MANE Select); the canonical splice acceptor site of the intron before coding-DNA position 4012, A replaced by G.
Molecular consequence: splice acceptor variant.
Genome position (GRCh38, 1-based): chr2:189,010,646, A>G. VCF-style: chr2-189010646-A-G. GRCh37 (hg19) VCF-style: chr2-189875372-A-G.
Identifiers: ClinVar variation 577653 (VCV000577653.9), dbSNP rs1559063681, ClinGen allele CA349849044.
Genomic context (GRCh38, chr2:189,010,646, plus strand): 5'-GAATCCCTCGCGTGCAGTTACAACTGAAATGTTTGATCTGTTTTATTTGTTCCCTATTAC[A>G]GTTTAGCTACGGCAATCCTGAACTTCCTGAAGATGTCCTTGATGTGCATCTGGCATTCCT-3'